The following is an entry in ClinVar:

ClinVar aggregate classification (germline): Uncertain significance (1 of 4 stars; one submission).

Submission:

Ambry Genetics
Classification: Uncertain significance. Last evaluated: 2022-10-31. Review status: criteria provided, single submitter. Criteria: Ambry Variant Classification Scheme 2023. Collection method: clinical testing. Allele origin: germline.
Comment: The p.K414Q variant (also known as c.1240A>C), located in coding exon 7 of the GALNT12 gene, results from an A to C substitution at nucleotide position 1240. The lysine at codon 414 is replaced by glutamine, an amino acid with similar properties. This amino acid position is conserved. In addition, this alteration is predicted to be tolerated by in silico analysis. Since supporting evidence is limited at this time, the clinical significance of this alteration remains unclear.

NM_024642.5(GALNT12):c.1240A>C (p.Lys414Gln)

Gene: GALNT12 (polypeptide N-acetylgalactosaminyltransferase 12; plus strand). Cytogenetic location: 9q22.33.
Variant type: single nucleotide variant.
Coding change: c.1240A>C on transcript NM_024642.5 (MANE Select); coding-DNA position 1240, A replaced by C.
Protein change: p.Lys414Gln; replaces lysine 414 with glutamine.
Molecular consequence: missense variant.
Genome position (GRCh38, 1-based): chr9:98,840,029, A>C. VCF-style: chr9-98840029-A-C. GRCh37 (hg19) VCF-style: chr9-101602311-A-C.
Other names: short protein forms K414Q.
Identifiers: ClinVar variation 1758149 (VCV001758149.3), dbSNP rs2490541264, ClinGen allele CA374220931.